The following is an entry in ClinVar:

ClinVar aggregate classification (germline): Pathogenic. Review status: criteria provided, multiple submitters, no conflicts (2 of 4 stars). 2 submissions from 2 submitters: Pathogenic (2). Last evaluated 2024-07-30.

Conditions:
Hereditary cancer-predisposing syndrome. Also called: Hereditary neoplastic syndrome; Hereditary Cancer Syndrome; Neoplastic Syndromes, Hereditary; Tumor predisposition. Identifiers: Orphanet 140162, MedGen C0027672, MeSH D009386, MONDO:0015356.
BAP1-related tumor predisposition syndrome (TPDS1). Also called: Tumor susceptibility linked to germline BAP1 mutations; BAP1 tumor predisposition syndrome; COMMON Syndrome; TUMOR PREDISPOSITION SYNDROME 1. Identifiers: Orphanet 289539, MedGen C3280492, MONDO:0013692, OMIM 614327.

Submissions (2):

Ambry Genetics
Classification: Pathogenic for Hereditary cancer-predisposing syndrome. Last evaluated: 2024-07-30. Review status: criteria provided, single submitter. Criteria: Ambry Variant Classification Scheme 2023. Collection method: clinical testing. Allele origin: germline.
Comment: The c.1508dupT pathogenic mutation, located in coding exon 13 of the BAP1 gene, results from a duplication of T at nucleotide position 1508, causing a translational frameshift with a predicted alternate stop codon (p.N504Qfs*33). This variant is considered to be rare based on population cohorts in the Genome Aggregation Database (gnomAD). This alteration is expected to result in loss of function by premature protein truncation or nonsense-mediated mRNA decay. As such, this alteration is interpreted as a disease-causing mutation.

Labcorp Genetics (formerly Invitae), Labcorp
Classification: Pathogenic for BAP1-related tumor predisposition syndrome. Last evaluated: 2023-10-20. Review status: criteria provided, single submitter. Criteria: Invitae Variant Classification Sherloc (09022015). Collection method: clinical testing. Allele origin: germline.
Comment: This sequence change creates a premature translational stop signal (p.Asn504Glnfs*33) in the BAP1 gene. It is expected to result in an absent or disrupted protein product. Loss-of-function variants in BAP1 are known to be pathogenic (PMID: 21874000, 23684012). This variant is not present in population databases (gnomAD no frequency). This variant has not been reported in the literature in individuals affected with BAP1-related conditions. For these reasons, this variant has been classified as Pathogenic.

Literature cited by the submitters: PubMed 21874000 (cited by Labcorp Genetics (formerly Invitae), Labcorp); PubMed 23684012 (cited by Labcorp Genetics (formerly Invitae), Labcorp).

NM_004656.4(BAP1):c.1508dup (p.Asn504fs)

Gene: BAP1 (BRCA1 associated deubiquitinase 1; minus strand). Cytogenetic location: 3p21.1.
Variant type: Duplication.
Coding change: c.1508dup on transcript NM_004656.4 (MANE Select); coding-DNA position 1508, one base duplicated (T; older notation c.1508dupT).
Protein change: p.Asn504fs; shifts the reading frame from asparagine 504.
Molecular consequence: frameshift variant.
Genome position (GRCh38, 1-based): chr3:52,403,637, A duplicated on the plus strand (T on the coding strand, the reverse complement: BAP1 is on the minus strand); the first of 3 consecutive A bases (chr3:52,403,637-52,403,639); duplicating any one gives the same sequence. VCF-style (leftmost placement, unchanged base first): chr3-52403636-G-GA. GRCh37 (hg19) VCF-style: chr3-52437652-G-GA.
Other names: c.1454dup, p.Asn486fs (NM_001410772.1); c.1508dupT (NM_004656.2); short protein forms N486fs, N504fs.
Identifiers: ClinVar variation 2770200 (VCV002770200.4), dbSNP rs2471328569, ClinGen allele CA2697556702.